The following is an entry in ClinVar:

ClinVar aggregate classification (germline): Benign/Likely benign. Review status: criteria provided, multiple submitters, no conflicts (2 of 4 stars). 4 submissions from 4 submitters: Benign (2); Likely benign (1). 1 of the submissions does not count toward it. Last evaluated 2025-12-09.

Conditions:
MTFMT-related disorder. Also called: MTFMT-related condition.

Allele frequency attached by ClinVar (database versions not stated): gnomAD exomes 0.00028; ExAC 0.00029; gnomAD 0.00090 and 0.00091; ESP Exome Variant Server 0.00100; TOPMed 0.00114; 1000 Genomes Project 30x 0.00203; 1000 Genomes Project 0.00240.
gnomAD v4.1: 278 of 1,613,776 alleles (0.017%); highest among the groups gnomAD compares: African/African-American, 0.34%; 1 homozygote.

Submissions (4):

Labcorp Genetics (formerly Invitae), Labcorp
Classification: Benign. Last evaluated: 2025-12-09. Review status: criteria provided, single submitter. Criteria: Invitae Variant Classification Sherloc (09022015). Collection method: clinical testing. Allele origin: germline.

Blueprint Genetics
Classification: Likely benign. Last evaluated: 2024-02-20. Review status: criteria provided, single submitter. Criteria: ACMG Guidelines, 2015. Collection method: clinical testing. Allele origin: germline.

GeneDx
Classification: Benign. Last evaluated: 2015-03-03. Review status: criteria provided, single submitter. Criteria: GeneDx Variant Classification Process June 2021. Collection method: clinical testing. Allele origin: germline. Affected: yes.

PreventionGenetics, part of Exact Sciences
Classification: Likely benign for MTFMT-related condition. Last evaluated: 2023-04-17. Review status: no assertion criteria provided. Collection method: clinical testing. Allele origin: germline. Not counted in ClinVar's aggregate classification.
Comment: This variant is classified as likely benign based on ACMG/AMP sequence variant interpretation guidelines (Richards et al. 2015 PMID: 25741868, with internal and published modifications).

NM_139242.4(MTFMT):c.396G>A (p.Glu132=)

Gene: MTFMT (mitochondrial methionyl-tRNA formyltransferase; minus strand). Cytogenetic location: 15q22.31.
Variant type: single nucleotide variant.
Coding change: c.396G>A on transcript NM_139242.4 (MANE Select); coding-DNA position 396, G replaced by A.
Protein change: p.Glu132=; no amino-acid change (glutamic acid 132 retained).
Molecular consequence: synonymous variant.
Genome position (GRCh38, 1-based): chr15:65,026,854, C>T on the plus strand (G>A on the coding strand, the complement: MTFMT is on the minus strand). VCF-style: chr15-65026854-C-T. GRCh37 (hg19) VCF-style: chr15-65319192-C-T.
Identifiers: ClinVar variation 738963 (VCV000738963.13), dbSNP rs139698971, ClinGen allele CA7613378.